The following is an entry in ClinVar:

NM_000455.5(STK11):c.-107del

Gene: STK11 (serine/threonine kinase 11; plus strand). Cytogenetic location: 19p13.3.
Variant type: Deletion.
Coding change: c.-107del on transcript NM_000455.5 (MANE Select); 107 bases upstream of the start codon, one base deleted (T; older notation c.-107delT).
Molecular consequence: 5 prime UTR variant. On other transcripts: non-coding transcript variant (1).
Genome position (GRCh38, 1-based): chr19:1,206,807, T deleted; the last of 10 consecutive T bases (chr19:1,206,798-1,206,807); deleting any one gives the same sequence. VCF-style (leftmost placement, unchanged base first): chr19-1206797-CT-C. GRCh37 (hg19) VCF-style: chr19-1206796-CT-C.
Other names: c.-107del (NM_001407255.1).
Identifiers: ClinVar variation 4980405 (VCV004980405.1).
Genomic context (GRCh38, chr19:1,206,797, plus strand): 5'-GTAGAACAATCGTTTCTGTTGGAAGAAGGGTTTTTCCCTTCCTTTTGGGGTTTTTGTTGC[CT>C]TTTTTTTTTCTTTTTTCTTTGTAAAATTTTGGAGAAGGGAAGTCGGAACACAAGGAAGGA-3'

ClinVar aggregate classification (germline): Likely benign (1 of 4 stars; one submission).

Conditions:
STK11-related disorder. Also called: STK11-related condition.

Submission:

PreventionGenetics, part of Exact Sciences
Classification: Likely benign for STK11-related condition. Last evaluated: 2025-07-11. Review status: criteria provided, single submitter. Criteria: ACMG Guidelines, 2015. Collection method: clinical testing. Allele origin: germline.
Comment: This variant is classified as likely benign based on ACMG/AMP sequence variant interpretation guidelines (Richards et al. 2015 PMID: 25741868, with internal and published modifications).